The following is an entry in ClinVar:

ClinVar aggregate classification (germline): Uncertain significance. Review status: criteria provided, multiple submitters, no conflicts (2 of 4 stars). 2 submissions from 2 submitters: Uncertain significance (2). Last evaluated 2025-07-04.

Allele frequency attached by ClinVar (database versions not stated): ExAC 0.00001; gnomAD 0.00001; gnomAD exomes 0.00001; TOPMed 0.00001.
gnomAD v4.1: 22 of 1,613,750 alleles (0.0014%); highest among the groups gnomAD compares: Non-Finnish European, 0.0019%; no homozygotes.

Submissions (2):

Ambry Genetics
Classification: Uncertain significance. Last evaluated: 2025-07-04. Review status: criteria provided, single submitter. Criteria: Ambry Variant Classification Scheme 2023. Collection method: clinical testing. Allele origin: germline.

Labcorp Genetics (formerly Invitae), Labcorp
Classification: Uncertain significance. Last evaluated: 2025-04-28. Review status: criteria provided, single submitter. Criteria: Invitae Variant Classification Sherloc (09022015). Collection method: clinical testing. Allele origin: germline.
Comment: This sequence change replaces glycine, which is neutral and non-polar, with arginine, which is basic and polar, at codon 148 of the C8A protein (p.Gly148Arg). This variant is present in population databases (rs777074787, gnomAD 0.002%). This variant has not been reported in the literature in individuals affected with C8A-related conditions. ClinVar contains an entry for this variant (Variation ID: 1924559). An algorithm developed to predict the effect of missense changes on protein structure and function (PolyPhen-2) suggests that this variant is likely to be disruptive. In summary, the available evidence is currently insufficient to determine the role of this variant in disease. Therefore, it has been classified as a Variant of Uncertain Significance.

NM_000562.3(C8A):c.442G>C (p.Gly148Arg)

Gene: C8A (complement C8 alpha chain; plus strand). Cytogenetic location: 1p32.2.
Variant type: single nucleotide variant.
Coding change: c.442G>C on transcript NM_000562.3 (MANE Select); coding-DNA position 442, G replaced by C.
Protein change: p.Gly148Arg; replaces glycine 148 with arginine.
Molecular consequence: missense variant.
Genome position (GRCh38, 1-based): chr1:56,876,187, G>C. VCF-style: chr1-56876187-G-C. GRCh37 (hg19) VCF-style: chr1-57341860-G-C.
Other names: short protein forms G148R.
Identifiers: ClinVar variation 1924559 (VCV001924559.4), dbSNP rs777074787, ClinGen allele CA875029.